The following is an entry in ClinVar:

NM_006295.3(VARS1):c.3115C>T (p.Gln1039Ter)

Gene: VARS1 (valyl-tRNA synthetase 1; minus strand). Cytogenetic location: 6p21.33.
Variant type: single nucleotide variant.
Coding change: c.3115C>T on transcript NM_006295.3 (MANE Select); coding-DNA position 3115, C replaced by T.
Protein change: p.Gln1039Ter; replaces glutamine 1039 with a stop codon.
Molecular consequence: nonsense.
Genome position (GRCh38, 1-based): chr6:31,779,781, G>A on the plus strand (C>T on the coding strand, the complement: VARS1 is on the minus strand). VCF-style: chr6-31779781-G-A. GRCh37 (hg19) VCF-style: chr6-31747558-G-A.
Other names: short protein forms Q1039*.
Identifiers: ClinVar variation 1184291 (VCV001184291.2), dbSNP rs765740144, ClinGen allele CA3722762.
Genomic context (GRCh38, chr6:31,779,781, plus strand): 5'-GCCGCAGGCCAACGTCCAGGCAAGTGTACAGGGTCTGGCGGGCACACTCAGCTGCCACCT[G>A]GTCCACCCCATTCAGTACAGGTTTCAGGCACTCCTAGGGGACGAGAGGTACAGGGCTCAC-3'

ClinVar aggregate classification (germline): Likely pathogenic. Review status: criteria provided, multiple submitters, no conflicts (2 of 4 stars). 2 submissions from 2 submitters: Likely pathogenic (2). Last evaluated 2024-05-23.

Conditions:
Neurodevelopmental disorder with microcephaly, seizures, and cortical atrophy. Identifiers: MedGen C4540493, MONDO:0060621, OMIM 617802.
VARS-related disorders.

Allele frequency attached by ClinVar (database versions not stated): gnomAD exomes 0.00019 and 0.00012; gnomAD 0.00029 and 0.00031; TOPMed 0.00001; ExAC 0.00014.
gnomAD v4.1: 121 of 1,612,872 alleles (0.0075%); highest among the groups gnomAD compares: Non-Finnish European, 0.00051%; no homozygotes.

Submissions (2):

Blueprint Genetics
Classification: Likely pathogenic for VARS-related disorders. Last evaluated: 2024-05-23. Review status: criteria provided, single submitter. Criteria: ACMG Guidelines, 2015. Collection method: clinical testing. Allele origin: germline. Affected: yes. Observed: 5 variant alleles.

New York Genome Center
Classification: Likely pathogenic for Neurodevelopmental disorder with microcephaly, seizures, and cortical atrophy. Last evaluated: 2020-07-10. Review status: criteria provided, single submitter. Criteria: NYGC Assertion Criteria 2020. Collection method: clinical testing. Allele origin: inherited. Observed: 1 compound heterozygote. Study: CSER-NYCKidSeq.
Comment: The inherited p.Gln1039Ter stop-gained variant identified in exon 27 (of 30) of the VARS gene creates a premature translation termination codon and is predicted to cause loss of normal protein function either through protein truncation or nonsense-mediated mRNA decay. Loss of function is the suggested mechanism of disease for VARS-associated disorder [PMID: 30755616; PMID: 30755602]. The variant has 0.0003002 allele frequency in the gnomAD(v3) database (43 out of 143,244 heterozygous alleles, no homozygote) suggesting it is a rare allele for an autosomal recessive disorder. Based on the available evidence, the inherited heterozygous p.Gln1039Ter stop-gain variant identified in the VARS gene is assessed as Likely Pathogenic.